The following is an entry in ClinVar:

ClinVar aggregate classification (germline): Uncertain significance (1 of 4 stars; one submission).

gnomAD v4.1: 3 of 1,612,494 alleles (0.00019%); highest among the groups gnomAD compares: Non-Finnish European, 0.00025%; no homozygotes.

Submission:

ARUP Laboratories, Molecular Genetics and Genomics, ARUP Laboratories
Classification: Uncertain significance. Last evaluated: 2025-01-29. Review status: criteria provided, single submitter. Criteria: ARUP Molecular Germline Variant Investigation Process 2024. Collection method: clinical testing. Allele origin: germline.
Comment: The APOB c.1352A>G; p.Asn451Ser variant (rs765525441), to our knowledge, is not reported in the medical literature or gene specific databases. This variant is only observed on one allele in the Genome Aggregation Database (v2.1.1), indicating it is not a common polymorphism. Computational analyses predict that this variant is neutral (REVEL: 0.068). Due to limited information, the clinical significance of this variant is uncertain at this time.

NM_000384.3(APOB):c.1352A>G (p.Asn451Ser)

Gene: APOB (apolipoprotein B; minus strand). Cytogenetic location: 2p24.1.
Variant type: single nucleotide variant.
Coding change: c.1352A>G on transcript NM_000384.3 (MANE Select); coding-DNA position 1352, A replaced by G.
Protein change: p.Asn451Ser; replaces asparagine 451 with serine.
Molecular consequence: missense variant.
Genome position (GRCh38, 1-based): chr2:21,032,354, T>C on the plus strand (A>G on the coding strand, the complement: APOB is on the minus strand). VCF-style: chr2-21032354-T-C. GRCh37 (hg19) VCF-style: chr2-21255226-T-C.
Other names: short protein forms N451S.
Identifiers: ClinVar variation 4685589 (VCV004685589.1).